The following is an entry in ClinVar:

NM_000543.5(SMPD1):c.633G>C (p.Trp211Cys)

Gene: SMPD1 (sphingomyelin phosphodiesterase 1; plus strand). Cytogenetic location: 11p15.4.
Variant type: single nucleotide variant.
Coding change: c.633G>C on transcript NM_000543.5 (MANE Select); coding-DNA position 633, G replaced by C.
Protein change: p.Trp211Cys; replaces tryptophan 211 with cysteine.
Molecular consequence: missense variant. On other transcripts: 5 prime UTR variant (1), non-coding transcript variant (1).
Genome position (GRCh38, 1-based): chr11:6,391,698, G>C. VCF-style: chr11-6391698-G-C. GRCh37 (hg19) VCF-style: chr11-6412928-G-C.
Other names: c.630G>C, p.Trp210Cys (NM_001007593.3); c.633G>C, p.Trp211Cys (NM_001318087.2, NM_001365135.2); c.-329G>C (NM_001318088.2); short protein forms W211C, W210C.
Identifiers: ClinVar variation 2953729 (VCV002953729.3), dbSNP rs2493805420, ClinGen allele CA379370454.

ClinVar aggregate classification (germline): Likely pathogenic (1 of 4 stars; one submission).

Conditions:
Niemann-Pick disease, type B. Also called: Chronic Visceral ASMD (Niemann-Pick Disease Type B; NPD-B). Identifiers: Orphanet 77293, MedGen C0268243, MONDO:0011871, OMIM 607616. Disease mechanism: loss of function.
Niemann-Pick disease, type A. Also called: SPHINGOMYELIN LIPIDOSIS; SPHINGOMYELINASE DEFICIENCY; Infantile Neurovisceral ASMD (Niemann-Pick Disease Type A; NPD-A). Identifiers: Orphanet 77292, MedGen C0268242, MONDO:0009756, OMIM 257200. Disease mechanism: loss of function.

Submission:

Labcorp Genetics (formerly Invitae), Labcorp
Classification: Likely pathogenic for Niemann-Pick disease, type B; Niemann-Pick disease, type A. Last evaluated: 2023-11-09. Review status: criteria provided, single submitter. Criteria: Invitae Variant Classification Sherloc (09022015). Collection method: clinical testing. Allele origin: germline.
Comment: This sequence change replaces tryptophan, which is neutral and slightly polar, with cysteine, which is neutral and slightly polar, at codon 211 of the SMPD1 protein (p.Trp211Cys). This variant is not present in population databases (gnomAD no frequency). This variant has not been reported in the literature in individuals affected with SMPD1-related conditions. Advanced modeling of protein sequence and biophysical properties (such as structural, functional, and spatial information, amino acid conservation, physicochemical variation, residue mobility, and thermodynamic stability) performed at Invitae indicates that this missense variant is expected to disrupt SMPD1 protein function with a positive predictive value of 95%. This variant disrupts the p.Trp211 amino acid residue in SMPD1. Other variant(s) that disrupt this residue have been determined to be pathogenic (PMID: 20386867; Invitae). This suggests that this residue is clinically significant, and that variants that disrupt this residue are likely to be disease-causing. In summary, the currently available evidence indicates that the variant is pathogenic, but additional data are needed to prove that conclusively. Therefore, this variant has been classified as Likely Pathogenic.

Literature cited by the submitters: PubMed 20386867.